The following is an entry in ClinVar:

NM_017654.4(SAMD9):c.4379T>A (p.Leu1460Gln)

Gene: SAMD9 (sterile alpha motif domain containing 9; minus strand). Cytogenetic location: 7q21.2.
Variant type: single nucleotide variant.
Coding change: c.4379T>A on transcript NM_017654.4 (MANE Select); coding-DNA position 4379, T replaced by A.
Protein change: p.Leu1460Gln; replaces leucine 1460 with glutamine.
Molecular consequence: missense variant.
Genome position (GRCh38, 1-based): chr7:93,101,719, A>T on the plus strand (T>A on the coding strand, the complement: SAMD9 is on the minus strand). VCF-style: chr7-93101719-A-T. GRCh37 (hg19) VCF-style: chr7-92731032-A-T.
Other names: c.4379T>A, p.Leu1460Gln (NM_001193307.2); short protein forms L1460Q.
Identifiers: ClinVar variation 4827018 (VCV004827018.1).

ClinVar aggregate classification (germline): Uncertain significance (1 of 4 stars; one submission).

Conditions:
Inborn genetic diseases. Identifiers: MedGen C0950123, MeSH D030342.

Submission:

Ambry Genetics
Classification: Uncertain significance for Inborn genetic diseases. Last evaluated: 2026-03-02. Review status: criteria provided, single submitter. Criteria: Ambry Variant Classification Scheme 2023. Collection method: clinical testing. Allele origin: germline.
Comment: The p.L1460Q variant (also known as c.4379T>A), located in coding exon 1 of the SAMD9 gene, results from a T to A substitution at nucleotide position 4379. The leucine at codon 1460 is replaced by glutamine, an amino acid with dissimilar properties. This amino acid position is conserved. In addition, this alteration is predicted to be tolerated by in silico analysis. Based on the available evidence, the clinical significance of this variant remains unclear.